The following is an entry in ClinVar:

ClinVar aggregate classification (germline): Likely pathogenic (1 of 4 stars; one submission).

Conditions:
Foveal hypoplasia - optic nerve decussation defect - anterior segment dysgenesis syndrome. Also called: Foveal hypoplasia 2; FOVEAL HYPOPLASIA 2 WITH OR WITHOUT OPTIC NERVE MISROUTING AND/OR ANTERIOR SEGMENT DYSGENESIS; FOVEAL HYPOPLASIA 2 WITH OR WITHOUT MICROPHTHALMIA OR COLOBOMA; FOVEAL HYPOPLASIA 2 WITH OPTIC NERVE DECUSSATION DEFECTS AND ANTERIOR SEGMENT DYSGENESIS WITHOUT ALBINISM. Identifiers: Orphanet 397618, MedGen C3807873, MONDO:0012216, OMIM 609218.

Allele frequency attached by ClinVar (database versions not stated): gnomAD 0.00001.
gnomAD v4.1: 3 of 1,613,390 alleles (0.00019%); no homozygotes.

Submission:

Genetics Laboratory, Department of Biology, Semnan University
Classification: Likely pathogenic for Foveal hypoplasia - optic nerve decussation defect - anterior segment dysgenesis syndrome. Last evaluated: 2021-10-22. Review status: criteria provided, single submitter. Criteria: ACMG Guidelines, 2015. Collection method: case-control. Allele origin: inherited. Inheritance: Autosomal recessive inheritance. Affected: yes. Observed: 1 homozygote.
Comment: The WES analysis identified a splice site mutation in the SLC38A8 gene on chromosome16 (NM_001080442.2); chr16:84056379C>T c.805+1G>A. The mutation was predicted to be likely pathogenic based on ACMG guidelines. Our review of the public resources, local population database, and the literature revealed that there is no previous publication describing this mutation.

NM_001080442.3(SLC38A8):c.805+1G>A

Gene: SLC38A8 (solute carrier family 38 member 8; minus strand). Cytogenetic location: 16q23.3.
Variant type: single nucleotide variant.
Coding change: c.805+1G>A on transcript NM_001080442.3 (MANE Select); the canonical splice donor site of the intron after coding-DNA position 805, G replaced by A.
Molecular consequence: splice donor variant.
Genome position (GRCh38, 1-based): chr16:84,022,774, C>T on the plus strand (G>A on the coding strand, the complement: SLC38A8 is on the minus strand). VCF-style: chr16-84022774-C-T. GRCh37 (hg19) VCF-style: chr16-84056379-C-T.
Identifiers: ClinVar variation 1698707 (VCV001698707.3), dbSNP rs1379690075, ClinGen allele CA396934757.